The following is an entry in ClinVar:

NM_004722.4(AP4M1):c.161G>A (p.Arg54His)

Gene: AP4M1 (adaptor related protein complex 4 subunit mu 1; plus strand). Cytogenetic location: 7q22.1.
Variant type: single nucleotide variant.
Coding change: c.161G>A on transcript NM_004722.4 (MANE Select); coding-DNA position 161, G replaced by A.
Protein change: p.Arg54His; replaces arginine 54 with histidine.
Molecular consequence: missense variant.
Genome position (GRCh38, 1-based): chr7:100,102,688, G>A. VCF-style: chr7-100102688-G-A. GRCh37 (hg19) VCF-style: chr7-99700311-G-A.
Other names: c.182G>A, p.Arg61His (NM_001363671.2); c.161G>A (NM_004722.3); short protein forms R54H, R61H.
Identifiers: ClinVar variation 2071712 (VCV002071712.4), dbSNP rs755242867, ClinGen allele CA4374495.

ClinVar aggregate classification (germline): Uncertain significance. Review status: criteria provided, multiple submitters, no conflicts (2 of 4 stars). 3 submissions from 3 submitters: Uncertain significance (3). Last evaluated 2025-01-22.

Conditions:
Hereditary spastic paraplegia 50 (SPG50). Also called: Spastic paraplegia 50, autosomal recessive. Identifiers: Orphanet 280763, MedGen C2752008, MONDO:0013048, OMIM 612936.
Inborn genetic diseases. Identifiers: MedGen C0950123, MeSH D030342.

Allele frequency attached by ClinVar (database versions not stated): ExAC 0.00001; gnomAD exomes 0.00001; TOPMed 0.00001; gnomAD 0.00003.

Submissions (3):

Ambry Genetics
Classification: Uncertain significance for Inborn genetic diseases. Last evaluated: 2025-01-22. Review status: criteria provided, single submitter. Criteria: Ambry Variant Classification Scheme 2023. Collection method: clinical testing. Allele origin: germline.

Labcorp Genetics (formerly Invitae), Labcorp
Classification: Uncertain significance for Hereditary spastic paraplegia 50. Last evaluated: 2022-05-29. Review status: criteria provided, single submitter. Criteria: Invitae Variant Classification Sherloc (09022015). Collection method: clinical testing. Allele origin: germline.
Comment: This sequence change replaces arginine, which is basic and polar, with histidine, which is basic and polar, at codon 54 of the AP4M1 protein (p.Arg54His). This variant is present in population databases (rs755242867, gnomAD 0.01%). This variant has not been reported in the literature in individuals affected with AP4M1-related conditions. Algorithms developed to predict the effect of missense changes on protein structure and function output the following: SIFT: "Tolerated"; PolyPhen-2: "Benign"; Align-GVGD: "Class C0". The histidine amino acid residue is found in multiple mammalian species, which suggests that this missense change does not adversely affect protein function. In summary, the available evidence is currently insufficient to determine the role of this variant in disease. Therefore, it has been classified as a Variant of Uncertain Significance.

Blueprint Genetics
Classification: Uncertain significance. Last evaluated: 2022-03-21. Review status: criteria provided, single submitter. Criteria: ACMG Guidelines, 2015. Collection method: clinical testing. Allele origin: germline.